The following is an entry in ClinVar:

NM_000080.4(CHRNE):c.1168C>T (p.Arg390Trp)

Genes: CHRNE (cholinergic receptor nicotinic epsilon subunit; minus strand), LOC130060040 (ATAC-STARR-seq lymphoblastoid silent region 8049; plus strand). Cytogenetic location: 17p13.2.
Variant type: single nucleotide variant.
Coding change: c.1168C>T on transcript NM_000080.4 (MANE Select); coding-DNA position 1168, C replaced by T.
Protein change: p.Arg390Trp; replaces arginine 390 with tryptophan.
Molecular consequence: missense variant.
Genome position (GRCh38, 1-based): chr17:4,899,249, G>A on the plus strand (C>T on the coding strand, the complement: CHRNE is on the minus strand). VCF-style: chr17-4899249-G-A. GRCh37 (hg19) VCF-style: chr17-4802544-G-A.
Other names: c.1168C>T, p.Arg390Trp (LRG_1254t1); short protein forms R390W.
Identifiers: ClinVar variation 287912 (VCV000287912.17), dbSNP rs140763858, ClinGen allele CA8313996.

ClinVar aggregate classification (germline): Uncertain significance. Review status: criteria provided, multiple submitters, no conflicts (2 of 4 stars). 7 submissions from 7 submitters: Uncertain significance (5). 2 of the submissions do not count toward it. Last evaluated 2026-01-01.

Conditions:
Congenital myasthenic syndrome (CMS). Also called: Congenital Myasthenic Syndromes. Identifiers: Orphanet 590, MedGen C0751882, MeSH D020294, MONDO:0018940.
Congenital myasthenic syndrome 4A. Also called: MYASTHENIC SYNDROME, CONGENITAL, 4A, SLOW-CHANNEL, AUTOSOMAL RECESSIVE; CONGENITAL MYASTHENIC SYNDROME TYPE Ia1; Myasthenic syndrome, congenital, 4a, slow-channel. Identifiers: Orphanet 590, MedGen C4225413, MONDO:0011600, OMIM 605809.

Allele frequency attached by ClinVar (database versions not stated): gnomAD 0.00005 and 0.00007; gnomAD exomes 0.00007 and 0.00013; TOPMed 0.00007; ESP Exome Variant Server 0.00008; ExAC 0.00012; 1000 Genomes Project 30x 0.00047; 1000 Genomes Project 0.00060.
gnomAD v4.1: 214 of 1,606,450 alleles (0.013%); highest among the groups gnomAD compares: Middle Eastern, 0.066%; no homozygotes.

Submissions (7):

Labcorp Genetics (formerly Invitae), Labcorp
Classification: Uncertain significance for Congenital myasthenic syndrome 4A. Last evaluated: 2026-01-01. Review status: criteria provided, single submitter. Criteria: Invitae Variant Classification Sherloc (09022015). Collection method: clinical testing. Allele origin: germline.
Comment: This sequence change replaces arginine, which is basic and polar, with tryptophan, which is neutral and slightly polar, at codon 390 of the CHRNE protein (p.Arg390Trp). This variant is present in population databases (rs140763858, gnomAD 0.02%). This variant has not been reported in the literature in individuals affected with CHRNE-related conditions. ClinVar contains an entry for this variant (Variation ID: 287912). Invitae Evidence Modeling of protein sequence and biophysical properties (such as structural, functional, and spatial information, amino acid conservation, physicochemical variation, residue mobility, and thermodynamic stability) has been performed for this missense variant. However, the output from this modeling did not meet the statistical confidence thresholds required to predict the impact of this variant on CHRNE protein function. In summary, the available evidence is currently insufficient to determine the role of this variant in disease. Therefore, it has been classified as a Variant of Uncertain Significance.

Revvity Omics, Revvity
Classification: Uncertain significance. Last evaluated: 2025-01-28. Review status: criteria provided, single submitter. Criteria: ACMG Guidelines, 2015. Collection method: clinical testing. Allele origin: germline.

Blueprint Genetics
Classification: Uncertain significance. Last evaluated: 2024-09-02. Review status: criteria provided, single submitter. Criteria: ACMG Guidelines, 2015. Collection method: clinical testing. Allele origin: germline.

Athena Diagnostics
Classification: Uncertain significance. Last evaluated: 2023-04-12. Review status: criteria provided, single submitter. Criteria: Athena Diagnostics Criteria. Collection method: clinical testing. Allele origin: unknown.
Comment: Available data are insufficient to determine the clinical significance of the variant at this time. The frequency of this variant in the general population is uninformative in assessment of its pathogenicity. Computational tools disagree on the variant's effect on normal protein function.

Eurofins Ntd Llc (ga)
Classification: Uncertain significance. Last evaluated: 2016-06-21. Review status: criteria provided, single submitter. Criteria: EGL Classification Definitions 2015. Collection method: clinical testing. Allele origin: germline. Observed: 1 variant allele, 1 heterozygote.

Natera, Inc.
Classification: Uncertain significance for Congenital myasthenic syndrome. Last evaluated: 2019-10-28. Review status: no assertion criteria provided. Collection method: clinical testing. Allele origin: germline. Not counted in ClinVar's aggregate classification.

Department of Pathology and Laboratory Medicine, Sinai Health System
Classification: Uncertain significance. Review status: no assertion criteria provided. Collection method: clinical testing. Allele origin: unknown. Affected: yes. Study: The Canadian Open Genetics Repository (COGR). Not counted in ClinVar's aggregate classification.
Comment: The CHRNE p.Arg390Trp variant was not identified in the literature nor was it identified in Cosmic or LOVD 3.0. The variant was identified in dbSNP (ID: rs140763858) and ClinVar (classified as a VUS by EGL Genetics and Invitae). The variant was also identified in control databases in 17 of 237074 chromosomes at a frequency of 0.000072 (Genome Aggregation Database Feb 27, 2017). The variant was observed in the following populations: African in 3 of 15122 chromosomes (freq: 0.000198), European (non-Finnish) in 12 of 106590 chromosomes (freq: 0.000113) and South Asian in 2 of 30222 chromosomes (freq: 0.000066), but was not observed in the Latino, Ashkenazi Jewish, East Asian, European (Finnish) or Other populations. The p.Arg390 residue is conserved in mammals and computational analyses (PolyPhen-2, SIFT, AlignGVGD, BLOSUM, MutationTaster) provide inconsistent predictions regarding the impact to the protein; this information is not very predictive of pathogenicity. The variant occurs outside of the splicing consensus sequence and in silico or computational prediction software programs (SpliceSiteFinder, MaxEntScan, NNSPLICE, GeneSplicer) do not predict a difference in splicing. In summary, based on the above information the clinical significance of this variant cannot be determined with certainty at this time. This variant is classified as a variant of uncertain significance.